The following is an entry in ClinVar:

NM_001267550.2(TTN):c.98021G>A (p.Arg32674His)

Genes: TTN (titin; minus strand), TTN-AS1 (TTN antisense RNA 1; plus strand). Cytogenetic location: 2q31.2.
Variant type: single nucleotide variant.
Coding change: c.98021G>A on transcript NM_001267550.2 (MANE Select); coding-DNA position 98021, G replaced by A.
Protein change: p.Arg32674His; replaces arginine 32674 with histidine.
Molecular consequence: missense variant. On other transcripts: non-coding transcript variant (1).
Genome position (GRCh38, 1-based): chr2:178,540,145, C>T on the plus strand (G>A on the coding strand, the complement: TTN is on the minus strand). VCF-style: chr2-178540145-C-T. GRCh37 (hg19) VCF-style: chr2-179404872-C-T.
Other names: p.R31033H:CGC>CAC; p.Arg31033His; c.93098G>A, p.Arg31033His (NM_001256850.1); c.70826G>A, p.Arg23609His (NM_003319.4); c.90317G>A, p.Arg30106His (NM_133378.4); c.71201G>A, p.Arg23734His (NM_133432.3); c.71402G>A, p.Arg23801His (NM_133437.4); c.98021G>A (NM_001267550.1); short protein forms R32674H, R31033H, R23609H, R23801H, R23734H, R30106H.
Identifiers: ClinVar variation 191128 (VCV000191128.9), dbSNP rs750969198, ClinGen allele CA302342.
Genomic context (GRCh38, chr2:178,540,145, plus strand): 5'-TTGACTGTTCCTGGTACCTCAGCAGGCTCACCAGGTCCACCAGCATTACAAGCTAGGACG[C>T]GGAACCTGTATTCTGCACCCTGAGGTAGGTGTGTTAGAGTATACTCTCGAATCTTGGTTG-3'
Protein context (NP_001254479.2, residues 32664-32684): HLPQGAEYRF[Arg32674His]VLACNAGGPG

ClinVar aggregate classification (germline): Conflicting classifications of pathogenicity. Review status: criteria provided, conflicting classifications (1 of 4 stars). 7 submissions from 7 submitters: Likely pathogenic (1); Uncertain significance (4); Likely benign (2). Last evaluated 2026-09-01.

Conditions:
TTN-related disorder. Also called: TTN-related condition; TTN-related disease; TTN-related disorders.

Allele frequency attached by ClinVar (database versions not stated): ExAC 0.00003; gnomAD exomes 0.00003 and 0.00004; gnomAD 0.00004 and 0.00005; TOPMed 0.00004.
gnomAD v4.1: 49 of 1,613,364 alleles (0.003%); highest among the groups gnomAD compares: East Asian, 0.0089%; 1 homozygote.

Submissions (7):

PreventionGenetics, part of Exact Sciences
Classification: Uncertain significance for TTN-related condition. Last evaluated: 2026-09-01. Review status: criteria provided, single submitter. Criteria: ACMG Guidelines, 2015. Collection method: clinical testing. Allele origin: germline.
Comment: The TTN c.98021G>A variant is predicted to result in the amino acid substitution p.Arg32674His. This variant has been reported as a variant of uncertain significance in a cohort of individuals with left ventricular noncompaction cardiomyopathy (Table S2, Richard et al. 2019. PubMed ID: 30471092). This variant is reported in 0.015% of alleles in individuals of East Asian descent in gnomAD. At this time, the clinical significance of this variant is uncertain due to the absence of conclusive functional and genetic evidence.

Molecular Diagnostic Laboratory for Inherited Cardiovascular Disease, Montreal Heart Institute
Classification: Likely benign. Last evaluated: 2026-03-27. Review status: criteria provided, single submitter. Criteria: ACMG Guidelines, 2015. Collection method: clinical testing. Allele origin: germline. Affected: no.
Comment: BP1

Mayo Clinic Laboratories, Mayo Clinic
Classification: Uncertain significance. Last evaluated: 2025-10-21. Review status: criteria provided, single submitter. Criteria: ACMG Guidelines, 2015. Collection method: clinical testing. Allele origin: germline. Observed: 1 variant allele.

Athena Diagnostics
Classification: Uncertain significance. Last evaluated: 2025-07-08. Review status: criteria provided, single submitter. Criteria: Athena Diagnostics Criteria. Collection method: clinical testing. Allele origin: unknown.
Comment: Available data are insufficient to determine the clinical significance of the variant at this time. The frequency of this variant in the general population is uninformative in assessment of its pathogenicity. Polyphen and MutationTaster yielded discordant predictions regarding whether this amino acid change is damaging to the protein.

Revvity Omics, Revvity
Classification: Uncertain significance. Last evaluated: 2025-03-24. Review status: criteria provided, single submitter. Criteria: ACMG Guidelines, 2015. Collection method: clinical testing. Allele origin: germline.

GeneDx
Classification: Likely benign. Last evaluated: 2020-12-23. Review status: criteria provided, single submitter. Criteria: GeneDx Variant Classification Process June 2021. Collection method: clinical testing. Allele origin: germline. Affected: yes.
Comment: Missense variant in a gene in which most reported pathogenic variants are truncating/loss-of-function; In silico analysis supports that this missense variant does not alter protein structure/function; Has not been previously published as pathogenic or benign to our knowledge

Genomic Medicine Center of Excellence, King Faisal Specialist Hospital and Research Centre
Classification: Likely pathogenic. Review status: criteria provided, single submitter. Criteria: ACMG Guidelines, 2015. Collection method: research. Allele origin: germline. Affected: yes.

Literature cited by the submitters: PubMed 38689299 (cited by Athena Diagnostics); PubMed 33500567 (cited by Athena Diagnostics); PubMed 30471092 (cited by Athena Diagnostics).